The following is an entry in ClinVar:

NM_000492.4(CFTR):c.1117-9_1117-8insTTTTTTTTTTTTTTTTTTTTNNNNNNNNNNTCTCCTCGTGATCCGCCCGCCTCGGCCTCCCAAAGTGCTGGGATTACAGGCGTGAGCCACCGCGCCCGGCCTGCTCTCTTTT

Gene: CFTR (CF transmembrane conductance regulator; plus strand). Cytogenetic location: 7q31.2.
Variant type: Insertion.
Coding change: c.1117-9_1117-8insTTTTTTTTTTTTTTTTTTTTNNNNNNNNNNTCTCCTCGTGATCCGCCCGCCTCGGCCTCCCAAAGTGCTGGGATTACAGGCGTGAGCCACCGCGCCCGGCCTGCTCTCTTTT on transcript NM_000492.4 (MANE Select); 9 bases into the intron before coding-DNA position 1117 through 8 bases into the intron before coding-DNA position 1117, TTTTTTTTTTTTTTTTTTTTNNNNNNNNNNTCTCCTCGTGATCCGCCCGCCTCGGCCTCCCAAAGTGCTGGGATTACAGGCGTGAGCCACCGCGCCCGGCCTGCTCTCTTTT inserted.
Molecular consequence: intron variant.
Genome position: GRCh38: chr7:117,542,007-117,542,008. GRCh37 (hg19): chr7:117,182,061-117,182,062.
Identifiers: ClinVar variation 3632174 (VCV003632174.2).

ClinVar aggregate classification (germline): Uncertain significance (1 of 4 stars; one submission).

Conditions:
Cystic fibrosis (CF). Also called: MUCOVISCIDOSIS. Identifiers: Orphanet 586, MedGen C0010674, MONDO:0009061, OMIM 219700. Disease mechanism: loss of function.

Submission:

Labcorp Genetics (formerly Invitae), Labcorp
Classification: Uncertain significance for Cystic fibrosis. Last evaluated: 2024-02-29. Review status: criteria provided, single submitter. Criteria: Invitae Variant Classification Sherloc (09022015). Collection method: clinical testing. Allele origin: germline.
Comment: This sequence change falls in intron 8 of the CFTR gene. It does not directly change the encoded amino acid sequence of the CFTR protein. This variant is not present in population databases (gnomAD no frequency). This variant has not been reported in the literature in individuals affected with CFTR-related conditions. Experimental studies and prediction algorithms are not available or were not evaluated, and the effect of this variant on mRNA splicing is currently unknown. In summary, the available evidence is currently insufficient to determine the role of this variant in disease. Therefore, it has been classified as a Variant of Uncertain Significance.